The following is an entry in ClinVar:

NM_000334.4(SCN4A):c.*1611A>G

Genes: GH-LCR (growth hormone locus control region; plus strand), SCN4A (sodium voltage-gated channel alpha subunit 4; minus strand). Cytogenetic location: 17q23.3.
Variant type: single nucleotide variant.
Coding change: c.*1611A>G on transcript NM_000334.4 (MANE Select); 1611 bases downstream of the stop codon, A replaced by G.
Molecular consequence: 3 prime UTR variant.
Genome position (GRCh38, 1-based): chr17:63,939,160, T>C on the plus strand (A>G on the coding strand, the complement: SCN4A is on the minus strand). VCF-style: chr17-63939160-T-C. GRCh37 (hg19) VCF-style: chr17-62016520-T-C.
Identifiers: ClinVar variation 324476 (VCV000324476.5), dbSNP rs16947280, ClinGen allele CA10649795.

ClinVar aggregate classification (germline): Benign. Review status: criteria provided, single submitter (1 of 4 stars). 5 submissions from 1 submitter: Benign (5). Last evaluated 2018-01-12.

Conditions:
Congenital myasthenic syndrome 16. Identifiers: Orphanet 590, MedGen C3280112, MONDO:0013620, OMIM 614198.
Paramyotonia congenita of Von Eulenburg. Also called: Paramyotonia Congenita; PARALYSIS PERIODICA PARAMYOTONICA; Eulenburg disease; Myotonia congenita intermittens; Von Eulenburg paramyotonia congenita. Identifiers: Orphanet 684, MedGen C0221055, MONDO:0008195, OMIM 168300. Disease mechanism: loss of function.
Hyperkalemic periodic paralysis. Also called: Familial hyperkalemic periodic paralysis; Gamstorp disease. Identifiers: Orphanet 682, MedGen C0238357, MONDO:0008224, OMIM 170500, HP:0007215.
Hypokalemic periodic paralysis, type 2 (HOKPP2). Identifiers: Orphanet 681, MedGen C2750061, MONDO:0013234, OMIM 613345.
Potassium-aggravated myotonia. Also called: Myotonia congenita, atypical, acetazolamide-responsive; MYOTONIA CONGENITA, ACETAZOLAMIDE-RESPONSIVE; MYOTONIA CONGENITA, ATYPICAL; SODIUM CHANNEL MUSCLE DISEASE. Identifiers: Orphanet 612, Orphanet 99734, Orphanet 99735, Orphanet 99736, MedGen C2931826, MONDO:0018959, OMIM 608390.

Allele frequency attached by ClinVar (database versions not stated): 1000 Genomes Project 30x 0.02670; gnomAD 0.02126; TOPMed 0.02145; 1000 Genomes Project 0.02436.

Submissions (5):

Illumina Laboratory Services, Illumina
Classification: Benign for Paramyotonia congenita of Von Eulenburg. Last evaluated: 2018-01-12. Review status: criteria provided, single submitter. Criteria: ICSL Variant Classification Criteria 13 December 2019. Collection method: clinical testing. Allele origin: germline.
Comment: This variant was observed in the ICSL laboratory as part of a predisposition screen in an ostensibly healthy population. It had not been previously curated by ICSL or reported in the Human Gene Mutation Database (HGMD: prior to June 1st, 2018), and was therefore a candidate for classification through an automated scoring system. Utilizing variant allele frequency, disease prevalence and penetrance estimates, and inheritance mode, an automated score was calculated to assess if this variant is too frequent to cause the disease. Based on the score and internal cut-off values, a variant classified as benign is not then subjected to further curation. The score for this variant resulted in a classification of benign for this disease.

Illumina Laboratory Services, Illumina
Classification: Benign for Hypokalemic periodic paralysis, type 2. Last evaluated: 2018-01-12. Review status: criteria provided, single submitter. Criteria: ICSL Variant Classification Criteria 13 December 2019. Collection method: clinical testing. Allele origin: germline.
Comment: the same text as in the submission from Illumina Laboratory Services, Illumina above.

Illumina Laboratory Services, Illumina
Classification: Benign for Potassium-aggravated myotonia. Last evaluated: 2018-01-12. Review status: criteria provided, single submitter. Criteria: ICSL Variant Classification Criteria 13 December 2019. Collection method: clinical testing. Allele origin: germline.
Comment: the same text as in the submission from Illumina Laboratory Services, Illumina above.

Illumina Laboratory Services, Illumina
Classification: Benign for Hyperkalemic periodic paralysis. Last evaluated: 2018-01-12. Review status: criteria provided, single submitter. Criteria: ICSL Variant Classification Criteria 13 December 2019. Collection method: clinical testing. Allele origin: germline.
Comment: the same text as in the submission from Illumina Laboratory Services, Illumina above.

Illumina Laboratory Services, Illumina
Classification: Benign for Congenital myasthenic syndrome 16. Last evaluated: 2018-01-12. Review status: criteria provided, single submitter. Criteria: ICSL Variant Classification Criteria 13 December 2019. Collection method: clinical testing. Allele origin: germline.
Comment: the same text as in the submission from Illumina Laboratory Services, Illumina above.